The following is an entry in ClinVar:

ClinVar aggregate classification (germline): Uncertain significance. Review status: criteria provided, multiple submitters, no conflicts (2 of 4 stars). 4 submissions from 4 submitters: Uncertain significance (4). Last evaluated 2025-04-09.

Conditions:
Inborn genetic diseases. Identifiers: MedGen C0950123, MeSH D030342.
Ornithine carbamoyltransferase deficiency (OTCD). Also called: Ornithine Carbamoyltransferase Deficiency Disease; ORNITHINE TRANSCARBAMYLASE DEFICIENCY; ORNITHINE TRANSCARBAMYLASE DEFICIENCY, HYPERAMMONEMIA DUE TO; OTC DEFICIENCY. Identifiers: Orphanet 664, MedGen C0268542, MONDO:0010703, OMIM 311250.

Allele frequency attached by ClinVar (database versions not stated): ExAC 0.00001; gnomAD 0.00002; TOPMed 0.00002.
gnomAD v4.1: 19 of 1,205,904 alleles (0.0016%); highest among the groups gnomAD compares: East Asian, 0.056%; no homozygotes.

Submissions (4):

Ambry Genetics
Classification: Uncertain significance for Inborn genetic diseases. Last evaluated: 2025-04-09. Review status: criteria provided, single submitter. Criteria: Ambry Variant Classification Scheme 2023. Collection method: clinical testing. Allele origin: germline.

All of Us Research Program, National Institutes of Health
Classification: Uncertain significance for Ornithine carbamoyltransferase deficiency. Last evaluated: 2024-01-03. Review status: criteria provided, single submitter. Criteria: ACMG Guidelines, 2015. Collection method: clinical testing. Allele origin: germline. Inheritance: X-linked inheritance. Observed: 1 variant allele, 1 hemizygote.
Comment: This missense variant replaces proline with serine at codon 30 of the OTC protein. Computational prediction suggests that this variant may not impact protein structure and function (internally defined REVEL score threshold <= 0.5, PMID: 27666373). To our knowledge, functional studies have not been reported for this variant. This variant has not been reported in individuals affected with OTC-related disorders in the literature. This variant has been identified in 1/182405 chromosomes in the general population by the Genome Aggregation Database (gnomAD). The available evidence is insufficient to determine the role of this variant in disease conclusively. Therefore, this variant is classified as a Variant of Uncertain Significance.

This study involves interpretation of variants in research participants for the purpose of population health screening. Participant phenotype was not available at the time of variant classification. Additional details can be found in publication PMID: 35346344, PMCID: PMC8962531

Color Diagnostics, LLC DBA Color Health
Classification: Uncertain significance for Ornithine carbamoyltransferase deficiency. Last evaluated: 2023-08-31. Review status: criteria provided, single submitter. Criteria: ACMG Guidelines, 2015. Collection method: clinical testing. Allele origin: germline.
Comment: This missense variant replaces proline with serine at codon 30 of the OTC protein. Computational prediction suggests that this variant may not impact protein structure and function. To our knowledge, functional studies have not been reported for this variant. This variant has not been reported in individuals affected with OTC-related disorders in the literature. This variant has been identified in 1/182405 chromosomes in the general population by the Genome Aggregation Database (gnomAD). The available evidence is insufficient to determine the role of this variant in disease conclusively. Therefore, this variant is classified as a Variant of Uncertain Significance.

Labcorp Genetics (formerly Invitae), Labcorp
Classification: Uncertain significance for Ornithine carbamoyltransferase deficiency. Last evaluated: 2022-02-07. Review status: criteria provided, single submitter. Criteria: Invitae Variant Classification Sherloc (09022015). Collection method: clinical testing. Allele origin: germline.
Comment: This sequence change replaces proline, which is neutral and non-polar, with serine, which is neutral and polar, at codon 30 of the OTC protein (p.Pro30Ser). The frequency data for this variant in the population databases is considered unreliable, as metrics indicate poor data quality at this position in the gnomAD database. This variant has not been reported in the literature in individuals affected with OTC-related conditions. Advanced modeling of protein sequence and biophysical properties (such as structural, functional, and spatial information, amino acid conservation, physicochemical variation, residue mobility, and thermodynamic stability) performed at Invitae indicates that this missense variant is not expected to disrupt OTC protein function. In summary, the available evidence is currently insufficient to determine the role of this variant in disease. Therefore, it has been classified as a Variant of Uncertain Significance.

NM_000531.6(OTC):c.88C>T (p.Pro30Ser)

Gene: OTC (ornithine transcarbamylase; plus strand). Cytogenetic location: Xp11.4.
Variant type: single nucleotide variant.
Coding change: c.88C>T on transcript NM_000531.6 (MANE Select); coding-DNA position 88, C replaced by T.
Protein change: p.Pro30Ser; replaces proline 30 with serine.
Molecular consequence: missense variant.
Genome position (GRCh38, 1-based): chrX:38,367,301, C>T. VCF-style: chrX-38367301-C-T. GRCh37 (hg19) VCF-style: chrX-38226554-C-T.
Other names: c.88C>T (NM_000531.5); c.88C>T, p.Pro30Ser (NM_001407092.1); short protein forms P30S.
Identifiers: ClinVar variation 1917235 (VCV001917235.5), dbSNP rs763877023, ClinGen allele CA10385788.
Genomic context (GRCh38, chrX:38,367,301, plus strand): 5'-TGGGTCTTTTCTGAAATACATATTTCTCCCTTTTAAATCTCTTTTTACAGGTGTGGACAA[C>T]CACTACAAAATAAAGTGCAGCTGAAGGGCCGTGACCTTCTCACTCTAAAAAACTTTACCG-3'
Protein context (NP_000522.3, residues 20-40): FMVRNFRCGQ[Pro30Ser]LQNKVQLKGR